The following is an entry in ClinVar:

NM_001048174.2(MUTYH):c.174A>T (p.Leu58=)

Gene: MUTYH (mutY DNA glycosylase; minus strand). Cytogenetic location: 1p34.1.
Variant type: single nucleotide variant.
Coding change: c.174A>T on transcript NM_001048174.2 (MANE Select); coding-DNA position 174, A replaced by T.
Protein change: p.Leu58=; no amino-acid change (leucine 58 retained).
Molecular consequence: synonymous variant. On other transcripts: 5 prime UTR variant (1), non-coding transcript variant (2), intron variant (3).
Genome position (GRCh38, 1-based): chr1:45,333,503, T>A on the plus strand (A>T on the coding strand, the complement: MUTYH is on the minus strand). VCF-style: chr1-45333503-T-A. GRCh37 (hg19) VCF-style: chr1-45799175-T-A.
Other names: c.174A>T, p.Leu58= (NM_001048171.2, NM_001048173.2, NM_001293195.2); c.177A>T, p.Leu59= (NM_001048172.2); c.258A>T, p.Leu86= (NM_001128425.2); c.219A>T, p.Leu73= (NM_001293190.2); c.207A>T, p.Leu69= (NM_001293191.2); c.-98A>T (NM_001350650.2); c.249A>T, p.Leu83= (NM_012222.3); c.-92-6A>T (NM_001350651.2); and 1 more.
Identifiers: ClinVar variation 763695 (VCV000763695.11), dbSNP rs786201439, ClinGen allele CA417880477.

ClinVar aggregate classification (germline): Conflicting classifications of pathogenicity. Review status: criteria provided, conflicting classifications (1 of 4 stars). 3 submissions from 3 submitters: Uncertain significance (1); Likely benign (2). Last evaluated 2025-02-01.

Conditions:
Familial adenomatous polyposis 2. Also called: MUTYH Polyposis; COLORECTAL ADENOMATOUS POLYPOSIS, AUTOSOMAL RECESSIVE; ADENOMAS, MULTIPLE COLORECTAL, AUTOSOMAL RECESSIVE; MUTYH-related attenuated familial adenomatous polyposis; FAP type 2; MUTYH-associated polyposis. Identifiers: Orphanet 220460, Orphanet 247798, MedGen C3272841, MONDO:0012041, OMIM 608456.
Hereditary cancer-predisposing syndrome. Also called: Tumor predisposition; Hereditary Cancer Syndrome; Hereditary neoplastic syndrome; Neoplastic Syndromes, Hereditary. Identifiers: Orphanet 140162, MedGen C0027672, MeSH D009386, MONDO:0015356.

Submissions (3):

Ambry Genetics
Classification: Likely benign for Hereditary cancer-predisposing syndrome. Last evaluated: 2025-02-01. Review status: criteria provided, single submitter. Criteria: Ambry Variant Classification Scheme 2023. Collection method: clinical testing. Allele origin: germline.

All of Us Research Program, National Institutes of Health
Classification: Uncertain significance for Familial adenomatous polyposis 2. Last evaluated: 2024-07-29. Review status: criteria provided, single submitter. Criteria: ACMG Guidelines, 2015. Collection method: clinical testing. Allele origin: germline. Inheritance: Autosomal recessive inheritance. Observed: 1 variant allele, 1 heterozygote.
Comment: This variant is located in the MUTYH protein. To our knowledge, functional studies have not been reported for this variant. This variant has not been reported in individuals affected with MUTYH-related disorders in the literature. This variant has not been identified in the general population by the Genome Aggregation Database (gnomAD). The available evidence is insufficient to determine the role of this variant in disease conclusively. Therefore, this variant is classified as a Variant of Uncertain Significance.

This study involves interpretation of variants in research participants for the purpose of population health screening. Participant phenotype was not available at the time of variant classification. Additional details can be found in publication PMID: 35346344, PMCID: PMC8962531

Labcorp Genetics (formerly Invitae), Labcorp
Classification: Likely benign for Familial adenomatous polyposis 2. Last evaluated: 2024-06-13. Review status: criteria provided, single submitter. Criteria: Invitae Variant Classification Sherloc (09022015). Collection method: clinical testing. Allele origin: germline.